The following is an entry in ClinVar:

ClinVar aggregate classification (germline): Uncertain significance (1 of 4 stars; one submission).

Submission:

Labcorp Genetics (formerly Invitae), Labcorp
Classification: Uncertain significance. Last evaluated: 2023-08-04. Review status: criteria provided, single submitter. Criteria: Invitae Variant Classification Sherloc (09022015). Collection method: clinical testing. Allele origin: germline.
Comment: This sequence change replaces serine, which is neutral and polar, with isoleucine, which is neutral and non-polar, at codon 434 of the TBX15 protein (p.Ser434Ile). In summary, the available evidence is currently insufficient to determine the role of this variant in disease. Therefore, it has been classified as a Variant of Uncertain Significance. An algorithm developed to predict the effect of missense changes on protein structure and function (PolyPhen-2) suggests that this variant is likely to be tolerated. ClinVar contains an entry for this variant (Variation ID: 2104286). This variant has not been reported in the literature in individuals affected with TBX15-related conditions. This variant is not present in population databases (gnomAD no frequency).

NM_001330677.2(TBX15):c.1619G>T (p.Ser540Ile)

Gene: TBX15 (T-box transcription factor 15; minus strand). Cytogenetic location: 1p12.
Variant type: single nucleotide variant.
Coding change: c.1619G>T on transcript NM_001330677.2 (MANE Select); coding-DNA position 1619, G replaced by T.
Protein change: p.Ser540Ile; replaces serine 540 with isoleucine.
Molecular consequence: missense variant.
Genome position (GRCh38, 1-based): chr1:118,884,922, C>A on the plus strand (G>T on the coding strand, the complement: TBX15 is on the minus strand). VCF-style: chr1-118884922-C-A. GRCh37 (hg19) VCF-style: chr1-119427545-C-A.
Other names: c.1301G>T, p.Ser434Ile (NM_152380.3); short protein forms S434I, S540I.
Identifiers: ClinVar variation 2104286 (VCV002104286.4), dbSNP rs2525939492, ClinGen allele CA341432127.